The following is an entry in ClinVar:

ClinVar aggregate classification (germline): Likely benign (0 of 4 stars; one submission).

Conditions:
IARS1-related disorder. Also called: IARS1-related condition.

Allele frequency attached by ClinVar (database versions not stated): ExAC 0.00001; TOPMed 0.00001; gnomAD exomes 0.00002; ESP Exome Variant Server 0.00008.
gnomAD v4.1: 25 of 1,613,364 alleles (0.0015%); highest among the groups gnomAD compares: Non-Finnish European, 0.002%; no homozygotes.

Submission:

PreventionGenetics, part of Exact Sciences
Classification: Likely benign for IARS1-related condition. Last evaluated: 2019-05-08. Review status: no assertion criteria provided. Collection method: clinical testing. Allele origin: germline.
Comment: This variant is classified as likely benign based on ACMG/AMP sequence variant interpretation guidelines (Richards et al. 2015 PMID: 25741868, with internal and published modifications).

NM_002161.6(IARS1):c.3554-9C>G

Gene: IARS1 (isoleucyl-tRNA synthetase 1; minus strand). Cytogenetic location: 9q22.31.
Variant type: single nucleotide variant.
Coding change: c.3554-9C>G on transcript NM_002161.6 (MANE Select); 9 bases into the intron before coding-DNA position 3554, C replaced by G.
Molecular consequence: intron variant.
Genome position (GRCh38, 1-based): chr9:92,222,681, G>C on the plus strand (C>G on the coding strand, the complement: IARS1 is on the minus strand). VCF-style: chr9-92222681-G-C. GRCh37 (hg19) VCF-style: chr9-94984963-G-C.
Other names: c.3554-9C>G (NM_001378573.1, NM_001378574.1, NM_001378576.1 and 2 more transcripts); c.3431-9C>G (NM_001378583.1); c.3470-9C>G (NM_001374301.1); c.3458-9C>G (NM_001378582.1); c.3419-9C>G (NM_001378584.1); c.3479-9C>G (NM_001374299.1, NM_001374300.1); c.3512-9C>G (NM_001378577.1); c.3410-9C>G (NM_001378585.1); and 4 more.
Identifiers: ClinVar variation 3041946 (VCV003041946.2), dbSNP rs370770912, ClinGen allele CA5121816.